The following is an entry in ClinVar:

ClinVar aggregate classification (germline): Conflicting classifications of pathogenicity. Review status: criteria provided, conflicting classifications (1 of 4 stars). 3 submissions from 3 submitters: Uncertain significance (2); Likely benign (1). Last evaluated 2025-03-13.

Conditions:
Familial cancer of breast. Also called: BREAST CANCER, FAMILIAL; Hereditary breast cancer; hereditary breast carcinoma. Identifiers: Orphanet 227535, MedGen C0346153, MONDO:0016419, OMIM 114480. Disease mechanism: loss of function.
Hereditary cancer-predisposing syndrome. Also called: Hereditary neoplastic syndrome; Neoplastic Syndromes, Hereditary; Hereditary Cancer Syndrome; Tumor predisposition. Identifiers: Orphanet 140162, MedGen C0027672, MeSH D009386, MONDO:0015356.

Submissions (3):

Ambry Genetics
Classification: Likely benign for Hereditary cancer-predisposing syndrome. Last evaluated: 2025-03-13. Review status: criteria provided, single submitter. Criteria: Ambry Variant Classification Scheme 2023. Collection method: clinical testing. Allele origin: germline.

Labcorp Genetics (formerly Invitae), Labcorp
Classification: Uncertain significance for Familial cancer of breast. Last evaluated: 2022-09-23. Review status: criteria provided, single submitter. Criteria: Invitae Variant Classification Sherloc (09022015). Collection method: clinical testing. Allele origin: germline.
Comment: This variant is present in population databases (rs772095244, gnomAD 0.006%). This sequence change replaces proline, which is neutral and non-polar, with glutamine, which is neutral and polar, at codon 782 of the PALB2 protein (p.Pro782Gln). This variant has not been reported in the literature in individuals affected with PALB2-related conditions. ClinVar contains an entry for this variant (Variation ID: 530133). Advanced modeling of protein sequence and biophysical properties (such as structural, functional, and spatial information, amino acid conservation, physicochemical variation, residue mobility, and thermodynamic stability) performed at Invitae indicates that this missense variant is not expected to disrupt PALB2 protein function. In summary, the available evidence is currently insufficient to determine the role of this variant in disease. Therefore, it has been classified as a Variant of Uncertain Significance.

Color Diagnostics, LLC DBA Color Health
Classification: Uncertain significance for Hereditary cancer-predisposing syndrome. Last evaluated: 2021-10-06. Review status: criteria provided, single submitter. Criteria: ACMG Guidelines, 2015. Collection method: clinical testing. Allele origin: germline.
Comment: This missense variant replaces proline with glutamine at codon 782 of the PALB2 protein. Computational prediction suggests that this variant may not impact protein structure and function (internally defined REVEL score threshold <= 0.5, PMID: 27666373). To our knowledge, functional studies have not been reported for this variant. This variant has not been reported in individuals affected with hereditary cancer in the literature. This variant has been identified in 1/251420 chromosomes in the general population by the Genome Aggregation Database (gnomAD). The available evidence is insufficient to determine the role of this variant in disease conclusively. Therefore, this variant is classified as a Variant of Uncertain Significance.

Literature cited by the submitters: PubMed 28825143 (cited by Ambry Genetics).

NM_024675.4(PALB2):c.2345C>A (p.Pro782Gln)

Gene: PALB2 (partner and localizer of BRCA2; minus strand). Cytogenetic location: 16p12.2.
Variant type: single nucleotide variant.
Coding change: c.2345C>A on transcript NM_024675.4 (MANE Select); coding-DNA position 2345, C replaced by A.
Protein change: p.Pro782Gln; replaces proline 782 with glutamine.
Molecular consequence: missense variant.
Genome position (GRCh38, 1-based): chr16:23,629,809, G>T on the plus strand (C>A on the coding strand, the complement: PALB2 is on the minus strand). VCF-style: chr16-23629809-G-T. GRCh37 (hg19) VCF-style: chr16-23641130-G-T.
Other names: short protein forms P782Q.
Identifiers: ClinVar variation 530133 (VCV000530133.16), dbSNP rs772095244, ClinGen allele CA7963590.